The following is an entry in ClinVar:

NM_004526.4(MCM2):c.455G>A (p.Arg152His)

Gene: MCM2 (minichromosome maintenance complex component 2; plus strand). Cytogenetic location: 3q21.3.
Variant type: single nucleotide variant.
Coding change: c.455G>A on transcript NM_004526.4 (MANE Select); coding-DNA position 455, G replaced by A.
Protein change: p.Arg152His; replaces arginine 152 with histidine.
Molecular consequence: missense variant. On other transcripts: non-coding transcript variant (1).
Genome position (GRCh38, 1-based): chr3:127,604,938, G>A. VCF-style: chr3-127604938-G-A. GRCh37 (hg19) VCF-style: chr3-127323781-G-A.
Other names: short protein forms R152H.
Identifiers: ClinVar variation 3871251 (VCV003871251.2).
Genomic context (GRCh38, chr3:127,604,938, plus strand): 5'-TGTCTCTTGCCTCCCCAGACAGCGATGAGGAGGACGAGGAGCGCCCTGCCCGCAAGCGCC[G>A]CCAGGTGGAGCGGGCCACGGAGGACGGCGAGGAGGACGAGGAGATGATCGAGAGCATCGA-3'
Protein context (NP_004517.2, residues 142-162): EDEERPARKR[Arg152His]QVERATEDGE

ClinVar aggregate classification (germline): Uncertain significance. Review status: criteria provided, multiple submitters, no conflicts (2 of 4 stars). 2 submissions from 2 submitters: Uncertain significance (2). Last evaluated 2025-12-24.

Submissions (2):

Labcorp Genetics (formerly Invitae), Labcorp
Classification: Uncertain significance. Last evaluated: 2025-12-24. Review status: criteria provided, single submitter. Criteria: Invitae Variant Classification Sherloc (09022015). Collection method: clinical testing. Allele origin: germline.
Comment: This sequence change replaces arginine, which is basic and polar, with histidine, which is basic and polar, at codon 152 of the MCM2 protein (p.Arg152His). This variant is present in population databases (rs200231306, gnomAD 0.01%). This variant has not been reported in the literature in individuals affected with MCM2-related conditions. ClinVar contains an entry for this variant (Variation ID: 3871251). An algorithm developed to predict the effect of missense changes on protein structure and function (PolyPhen-2) suggests that this variant is likely to be disruptive. In summary, the available evidence is currently insufficient to determine the role of this variant in disease. Therefore, it has been classified as a Variant of Uncertain Significance.

Ambry Genetics
Classification: Uncertain significance. Last evaluated: 2025-02-09. Review status: criteria provided, single submitter. Criteria: Ambry Variant Classification Scheme 2023. Collection method: clinical testing. Allele origin: germline.